The following is an entry in ClinVar:

NM_194248.3(OTOF):c.1365C>T (p.Tyr455=)

Gene: OTOF (otoferlin; minus strand). Cytogenetic location: 2p23.3.
Variant type: single nucleotide variant.
Coding change: c.1365C>T on transcript NM_194248.3 (MANE Select); coding-DNA position 1365, C replaced by T.
Protein change: p.Tyr455=; no amino-acid change (tyrosine 455 retained).
Molecular consequence: synonymous variant.
Genome position (GRCh38, 1-based): chr2:26,483,489, G>A on the plus strand (C>T on the coding strand, the complement: OTOF is on the minus strand). VCF-style: chr2-26483489-G-A. GRCh37 (hg19) VCF-style: chr2-26706357-G-A.
Other names: c.1365C>T, p.Tyr455= (NM_001287489.2).
Identifiers: ClinVar variation 666732 (VCV000666732.8), dbSNP rs572162678, ClinGen allele CA1564304.

ClinVar aggregate classification (germline): Likely benign. Review status: criteria provided, multiple submitters, no conflicts (2 of 4 stars). 3 submissions from 3 submitters: Likely benign (3). Last evaluated 2024-02-11.

Allele frequency attached by ClinVar (database versions not stated): TOPMed 0.00002; 1000 Genomes Project 0.00020; 1000 Genomes Project 30x 0.00031.
gnomAD v4.1: 46 of 1,613,912 alleles (0.0029%); highest among the groups gnomAD compares: Admixed American, 0.01%; no homozygotes.

Submissions (3):

Labcorp Genetics (formerly Invitae), Labcorp
Classification: Likely benign. Last evaluated: 2024-02-11. Review status: criteria provided, single submitter. Criteria: Invitae Variant Classification Sherloc (09022015). Collection method: clinical testing. Allele origin: germline.

Laboratory for Molecular Medicine, Mass General Brigham Personalized Medicine
Classification: Likely benign. Last evaluated: 2017-08-23. Review status: criteria provided, single submitter. Criteria: LMM Criteria. Collection method: clinical testing. Allele origin: germline. Observed: 1 variant allele.
Comment: p.Tyr455Tyr in exon 13 of OTOF: This variant is not expected to have clinical si gnificance because it does not alter an amino acid residue and is not located wi thin the splice consensus sequence. It has been identified in 0.02% (2/11554) of Latino chromosomes by the Exome Aggregation Consortium (ExAC; dbSNP rs572162678).

Breakthrough Genomics
Classification: Likely benign. Review status: criteria provided, single submitter. Criteria: ACMG Guidelines, 2015. Collection method: not provided. Allele origin: germline. Inheritance: Autosomal recessive inheritance. Affected: yes.